The following is an entry in ClinVar:

NM_173628.4(DNAH17):c.8089G>A (p.Val2697Ile)

Gene: DNAH17 (dynein axonemal heavy chain 17; minus strand). Cytogenetic location: 17q25.3.
Variant type: single nucleotide variant.
Coding change: c.8089G>A on transcript NM_173628.4 (MANE Select); coding-DNA position 8089, G replaced by A.
Protein change: p.Val2697Ile; replaces valine 2697 with isoleucine.
Molecular consequence: missense variant.
Genome position (GRCh38, 1-based): chr17:78,476,637, C>T on the plus strand (G>A on the coding strand, the complement: DNAH17 is on the minus strand). VCF-style: chr17-78476637-C-T. GRCh37 (hg19) VCF-style: chr17-76472719-C-T.
Other names: short protein forms V2697I.
Identifiers: ClinVar variation 3045289 (VCV003045289.2), dbSNP rs181398151, ClinGen allele CA8801990.

ClinVar aggregate classification (germline): Benign (0 of 4 stars; one submission).

Conditions:
DNAH17-related disorder. Also called: DNAH17-related condition.

Allele frequency attached by ClinVar (database versions not stated): TOPMed 0.00069; 1000 Genomes Project 30x 0.00078; ESP Exome Variant Server 0.00097; 1000 Genomes Project 0.00100; gnomAD exomes 0.00245; gnomAD 0.00318; ExAC 0.00460.
gnomAD v4.1: 4,029 of 1,612,292 alleles (0.25%); highest among the groups gnomAD compares: Non-Finnish European, 0.17%; 43 homozygotes.

Submission:

PreventionGenetics, part of Exact Sciences
Classification: Benign for DNAH17-related condition. Last evaluated: 2019-11-18. Review status: no assertion criteria provided. Collection method: clinical testing. Allele origin: germline.
Comment: This variant is classified as benign based on ACMG/AMP sequence variant interpretation guidelines (Richards et al. 2015 PMID: 25741868, with internal and published modifications).